The following is an entry in ClinVar:

ClinVar aggregate classification (germline): Uncertain significance. Review status: criteria provided, multiple submitters, no conflicts (2 of 4 stars). 2 submissions from 2 submitters: Uncertain significance (2). Last evaluated 2023-06-01.

Conditions:
Primary ciliary dyskinesia. Also called: Ciliary dyskinesia. Identifiers: Orphanet 244, MedGen C0008780, MONDO:0016575, HP:0012265.

Allele frequency attached by ClinVar (database versions not stated): gnomAD 0.00001; gnomAD exomes 0.00001 and 0.00002; TOPMed 0.00001.
gnomAD v4.1: 25 of 1,613,950 alleles (0.0015%); highest among the groups gnomAD compares: Non-Finnish European, 0.0021%; no homozygotes.

Submissions (2):

Blueprint Genetics
Classification: Uncertain significance. Last evaluated: 2023-06-01. Review status: criteria provided, single submitter. Criteria: ACMG Guidelines, 2015. Collection method: clinical testing. Allele origin: germline.

Labcorp Genetics (formerly Invitae), Labcorp
Classification: Uncertain significance for Primary ciliary dyskinesia. Last evaluated: 2021-08-28. Review status: criteria provided, single submitter. Criteria: Invitae Variant Classification Sherloc (09022015). Collection method: clinical testing. Allele origin: germline.
Comment: This sequence change replaces arginine with lysine at codon 1921 of the DNAH5 protein (p.Arg1921Lys). The arginine residue is highly conserved and there is a small physicochemical difference between arginine and lysine. This variant is not present in population databases (ExAC no frequency). This variant has not been reported in the literature in individuals affected with DNAH5-related conditions. Algorithms developed to predict the effect of missense changes on protein structure and function are either unavailable or do not agree on the potential impact of this missense change (SIFT: "Deleterious"; PolyPhen-2: "Benign"; Align-GVGD: "Class C0"). In summary, the available evidence is currently insufficient to determine the role of this variant in disease. Therefore, it has been classified as a Variant of Uncertain Significance.

NM_001369.3(DNAH5):c.5762G>A (p.Arg1921Lys)

Gene: DNAH5 (dynein axonemal heavy chain 5; minus strand). Cytogenetic location: 5p15.2.
Variant type: single nucleotide variant.
Coding change: c.5762G>A on transcript NM_001369.3 (MANE Select); coding-DNA position 5762, G replaced by A.
Protein change: p.Arg1921Lys; replaces arginine 1921 with lysine.
Molecular consequence: missense variant.
Genome position (GRCh38, 1-based): chr5:13,839,476, C>T on the plus strand (G>A on the coding strand, the complement: DNAH5 is on the minus strand). VCF-style: chr5-13839476-C-T. GRCh37 (hg19) VCF-style: chr5-13839585-C-T.
Other names: short protein forms R1921K.
Identifiers: ClinVar variation 640587 (VCV000640587.4), dbSNP rs1331052558, ClinGen allele CA359207071.
Genomic context (GRCh38, chr5:13,839,476, plus strand): 5'-ATGAACGCCACATCTGTGATGTGAATCATCATCTTGTCAGAATCTTCGTTAAAGTAAAAT[C>T]TGCACTGTTTCAGCCACTCAAAGTCCATGGGACTCTTGATATGCATATGACACTGAAATT-3'
Protein context (NP_001360.1, residues 1911-1931): PMDFEWLKQC[Arg1921Lys]FYFNEDSDKM